The following is an entry in ClinVar:

ClinVar aggregate classification (germline): Benign (1 of 4 stars; one submission).

Conditions:
Familial cancer of breast. Also called: hereditary breast carcinoma; Hereditary breast cancer; BREAST CANCER, FAMILIAL. Identifiers: Orphanet 227535, MedGen C0346153, MONDO:0016419, OMIM 114480. Disease mechanism: loss of function.

Submission:

Myriad Genetics, Inc.
Classification: Benign for Familial cancer of breast. Last evaluated: 2024-08-27. Review status: criteria provided, single submitter. Criteria: Myriad Autosomal Dominant, Autosomal Recessive and X-Linked Classification Criteria (2023). Collection method: clinical testing. Allele origin: unknown.
Comment: This variant is considered benign. This variant is a silent/synonymous amino acid change and it is not expected to impact splicing.

NM_032043.3(BRIP1):c.1434C>T (p.His478=)

Gene: BRIP1 (BRCA1 interacting DNA helicase 1; minus strand). Cytogenetic location: 17q23.2.
Variant type: single nucleotide variant.
Coding change: c.1434C>T on transcript NM_032043.3 (MANE Select); coding-DNA position 1434, C replaced by T.
Protein change: p.His478=; no amino-acid change (histidine 478 retained).
Molecular consequence: synonymous variant.
Genome position (GRCh38, 1-based): chr17:61,793,636, G>A on the plus strand (C>T on the coding strand, the complement: BRIP1 is on the minus strand). VCF-style: chr17-61793636-G-A. GRCh37 (hg19) VCF-style: chr17-59870997-G-A.
Identifiers: ClinVar variation 3378522 (VCV003378522.1).